The following is an entry in ClinVar:

ClinVar aggregate classification (germline): Uncertain significance (1 of 4 stars; one submission).

Conditions:
Charcot-Marie-Tooth disease axonal type 2C (HMSN2C). Also called: CHARCOT-MARIE-TOOTH DISEASE, AXONAL, AUTOSOMAL DOMINANT, TYPE 2C; Charcot-Marie-Tooth Neuropathy Type 2C; Charcot-Marie-Tooth Disease Type 2, TRPV4-Related (CMT2C). Identifiers: Orphanet 99937, MedGen C1853710, MONDO:0011633, OMIM 606071.

Allele frequency attached by ClinVar (database versions not stated): gnomAD exomes below 0.00001.
gnomAD v4.1: 1 of 1,614,084 alleles (0.000062%); highest among the groups gnomAD compares: Admixed American, 0.0017%; no homozygotes.

Submission:

Labcorp Genetics (formerly Invitae), Labcorp
Classification: Uncertain significance for Charcot-Marie-Tooth disease axonal type 2C. Last evaluated: 2018-08-02. Review status: criteria provided, single submitter. Criteria: Invitae Variant Classification Sherloc (09022015). Collection method: clinical testing. Allele origin: germline.
Comment: In summary, the available evidence is currently insufficient to determine the role of this variant in disease. Therefore, it has been classified as a Variant of Uncertain Significance. Algorithms developed to predict the effect of missense changes on protein structure and function (SIFT, PolyPhen-2, Align-GVGD) all suggest that this variant is likely to be tolerated, but these predictions have not been confirmed by published functional studies and their clinical significance is uncertain. This variant has not been reported in the literature in individuals with TRPV4-related disease. This variant is not present in population databases (ExAC no frequency). This sequence change replaces alanine with glycine at codon 569 of the TRPV4 protein (p.Ala569Gly). The alanine residue is weakly conserved and there is a small physicochemical difference between alanine and glycine.

NM_021625.5(TRPV4):c.1706C>G (p.Ala569Gly)

Gene: TRPV4 (transient receptor potential cation channel subfamily V member 4; minus strand). Cytogenetic location: 12q24.11.
Variant type: single nucleotide variant.
Coding change: c.1706C>G on transcript NM_021625.5 (MANE Select); coding-DNA position 1706, C replaced by G.
Protein change: p.Ala569Gly; replaces alanine 569 with glycine.
Molecular consequence: missense variant.
Genome position (GRCh38, 1-based): chr12:109,792,770, G>C on the plus strand (C>G on the coding strand, the complement: TRPV4 is on the minus strand). VCF-style: chr12-109792770-G-C. GRCh37 (hg19) VCF-style: chr12-110230575-G-C.
Other names: c.1565C>G, p.Ala522Gly (NM_001177428.2); c.1604C>G, p.Ala535Gly (NM_001177431.2); c.1385C>G, p.Ala462Gly (NM_001177433.2); c.1526C>G, p.Ala509Gly (NM_147204.3); short protein forms A535G, A522G, A569G, A462G, A509G.
Identifiers: ClinVar variation 665894 (VCV000665894.7), dbSNP rs1565864489, ClinGen allele CA386652550.